The following is an entry in ClinVar:

ClinVar aggregate classification (germline): Uncertain significance (1 of 4 stars; one submission).

Conditions:
Hereditary cancer-predisposing syndrome. Also called: Neoplastic Syndromes, Hereditary; Tumor predisposition; Hereditary Cancer Syndrome; Hereditary neoplastic syndrome. Identifiers: Orphanet 140162, MedGen C0027672, MeSH D009386, MONDO:0015356.

Submission:

Ambry Genetics
Classification: Uncertain significance for Hereditary cancer-predisposing syndrome. Last evaluated: 2024-07-29. Review status: criteria provided, single submitter. Criteria: Ambry Variant Classification Scheme 2023. Collection method: clinical testing. Allele origin: germline.
Comment: The p.S1664F variant (also known as c.4991C>T), located in coding exon 15 of the APC gene, results from a C to T substitution at nucleotide position 4991. The serine at codon 1664 is replaced by phenylalanine, an amino acid with highly dissimilar properties. This amino acid position is conserved. In addition, in silico predictors for this gene do not accurately predict pathogenicity. Based on the available evidence, the clinical significance of this variant remains unclear.

NM_000038.6(APC):c.4991C>T (p.Ser1664Phe)

Gene: APC (APC regulator of Wnt signaling pathway; plus strand). Cytogenetic location: 5q22.2.
Variant type: single nucleotide variant.
Coding change: c.4991C>T on transcript NM_000038.6 (MANE Select); coding-DNA position 4991, C replaced by T.
Protein change: p.Ser1664Phe; replaces serine 1664 with phenylalanine.
Molecular consequence: missense variant. On other transcripts: non-coding transcript variant (2).
Genome position (GRCh38, 1-based): chr5:112,840,585, C>T. VCF-style: chr5-112840585-C-T. GRCh37 (hg19) VCF-style: chr5-112176282-C-T.
Other names: c.4991C>T, p.Ser1664Phe (NM_001127510.3, NM_001354895.2, NM_001407450.1); c.4937C>T, p.Ser1646Phe (NM_001127511.3); c.5045C>T, p.Ser1682Phe (NM_001354896.2, NM_001407447.1, NM_001407448.1 and 1 more transcripts); c.5021C>T, p.Ser1674Phe (NM_001354897.2); c.4916C>T, p.Ser1639Phe (NM_001354898.2); c.4907C>T, p.Ser1636Phe (NM_001354899.2); c.4868C>T, p.Ser1623Phe (NM_001354900.2); c.4814C>T, p.Ser1605Phe (NM_001354901.2, NM_001407453.1); and 11 more; short protein forms S1504F, S1573F, S1581F, S1682F, S1381F, S1605F, S1636F, S1646F.
Identifiers: ClinVar variation 3409898 (VCV003409898.1).